The following is an entry in ClinVar:

NM_001023570.4(IQCB1):c.1574_1576del (p.Pro525_Ser526delinsArg)

Gene: IQCB1 (IQ motif containing B1; minus strand). Cytogenetic location: 3q13.33.
Variant type: Deletion.
Coding change: c.1574_1576del on transcript NM_001023570.4 (MANE Select); coding-DNA positions 1574 to 1576, 3 bases deleted (CAA; older notation c.1574_1576delCAA).
Protein change: p.Pro525_Ser526delinsArg.
Molecular consequence: inframe indel. On other transcripts: non-coding transcript variant (1).
Genome position (GRCh38, 1-based): chr3:121,770,566-121,770,568, TTG deleted on the plus strand (CAA on the coding strand, the reverse complement: IQCB1 is on the minus strand). VCF-style (leftmost placement, unchanged base first): chr3-121770565-CTTG-C. GRCh37 (hg19) VCF-style: chr3-121489412-CTTG-C.
Other names: c.1175_1177del, p.Pro392_Ser393delinsArg (NM_001023571.4); c.1574_1576del, p.Pro525_Ser526delinsArg (NM_001319107.2).
Identifiers: ClinVar variation 2099785 (VCV002099785.4), dbSNP rs2547577732, ClinGen allele CA2580068610.
Genomic context (GRCh38, chr3:121,770,565, plus strand): 5'-GCCACAGGCCTGGATCTACTTAGGAAGAGCTCAGGTTCTTTCCCTTCTGCCTCCTTCAGA[CTTG>C]GTGCCTCTGTAGTGGACAGAAAATAAACAGATGAGCAGAAGAGTCCTATGCCAAGCAGGT-3'

ClinVar aggregate classification (germline): Uncertain significance (1 of 4 stars; one submission).

Conditions:
Nephronophthisis. Also called: Juvenile Nephronophthisis. Identifiers: Orphanet 655, MedGen C0687120, MONDO:0019005, HP:0000090.

Submission:

Labcorp Genetics (formerly Invitae), Labcorp
Classification: Uncertain significance for Nephronophthisis. Last evaluated: 2022-02-19. Review status: criteria provided, single submitter. Criteria: Invitae Variant Classification Sherloc (09022015). Collection method: clinical testing. Allele origin: germline.
Comment: This variant, c.1574_1576del, is a complex sequence change that results in the deletion of 2 and insertion of 1 amino acid(s) in the IQCB1 protein (p.Pro525_Ser526delinsArg). This variant is not present in population databases (gnomAD no frequency). This variant has not been reported in the literature in individuals affected with IQCB1-related conditions. Experimental studies and prediction algorithms are not available or were not evaluated, and the functional significance of this variant is currently unknown. In summary, the available evidence is currently insufficient to determine the role of this variant in disease. Therefore, it has been classified as a Variant of Uncertain Significance.